The following is an entry in ClinVar:

NC_000005.10:g.112707438T>C

Gene: APC (APC regulator of Wnt signaling pathway; plus strand). Cytogenetic location: 5q22.2.
Variant type: single nucleotide variant.
Genome position: GRCh38 VCF-style: chr5-112707438-T-C. GRCh37 (hg19) VCF-style: chr5-112043135-T-C.
Identifiers: ClinVar variation 537629 (VCV000537629.9), dbSNP rs1279143171, ClinGen allele CA658796595.

ClinVar aggregate classification (germline): Uncertain significance (1 of 4 stars; one submission).

Conditions:
Familial adenomatous polyposis 1 (FAP1). Also called: FAMILIAL ADENOMATOUS POLYPOSIS 1, ATTENUATED; POLYPOSIS, ADENOMATOUS INTESTINAL. Identifiers: MedGen C2713442, MONDO:0021056, OMIM 175100. Disease mechanism: loss of function.

Allele frequency attached by ClinVar (database versions not stated): gnomAD 0.00001; TOPMed below 0.00001.

Submission:

Labcorp Genetics (formerly Invitae), Labcorp
Classification: Uncertain significance for Familial adenomatous polyposis 1. Last evaluated: 2024-01-18. Review status: criteria provided, single submitter. Criteria: Invitae Variant Classification Sherloc (09022015). Collection method: clinical testing. Allele origin: germline.
Comment: This variant occurs in a non-coding region of the APC gene. It does not change the encoded amino acid sequence of the APC protein. This variant is not present in population databases (gnomAD no frequency). This variant has not been reported in the literature in individuals affected with APC-related conditions. ClinVar contains an entry for this variant (Variation ID: 537629). Experimental studies and prediction algorithms are not available or were not evaluated, and the functional significance of this variant is currently unknown. In summary, the available evidence is currently insufficient to determine the role of this variant in disease. Therefore, it has been classified as a Variant of Uncertain Significance.